The following is an entry in ClinVar:

ClinVar aggregate classification (germline): Pathogenic. Review status: criteria provided, multiple submitters, no conflicts (2 of 4 stars). 2 submissions from 2 submitters: Pathogenic (2). Last evaluated 2025-02-12.

Conditions:
Hereditary cancer-predisposing syndrome. Also called: Tumor predisposition; Neoplastic Syndromes, Hereditary; Hereditary neoplastic syndrome; Hereditary Cancer Syndrome. Identifiers: Orphanet 140162, MedGen C0027672, MeSH D009386, MONDO:0015356.
Tuberous sclerosis 1 (TSC1). Identifiers: Orphanet 805, MedGen C1854465, MONDO:0008612, OMIM 191100.

Allele frequency attached by ClinVar (database versions not stated): gnomAD exomes below 0.00001.

Submissions (2):

Labcorp Genetics (formerly Invitae), Labcorp
Classification: Pathogenic for Tuberous sclerosis 1. Last evaluated: 2025-02-12. Review status: criteria provided, single submitter. Criteria: Invitae Variant Classification Sherloc (09022015). Collection method: clinical testing. Allele origin: germline.
Comment: This sequence change creates a premature translational stop signal (p.Tyr176Leufs*42) in the TSC1 gene. It is expected to result in an absent or disrupted protein product. Loss-of-function variants in TSC1 are known to be pathogenic (PMID: 10227394, 17304050). This variant is not present in population databases (gnomAD no frequency). This premature translational stop signal has been observed in individual(s) with clinical features of TSC1-related conditions (PMID: 33181865). ClinVar contains an entry for this variant (Variation ID: 1071787). For these reasons, this variant has been classified as Pathogenic.

Ambry Genetics
Classification: Pathogenic for Hereditary cancer-predisposing syndrome. Last evaluated: 2023-06-29. Review status: criteria provided, single submitter. Criteria: Ambry Variant Classification Scheme 2023. Collection method: clinical testing. Allele origin: germline.
Comment: The c.526dupT pathogenic mutation, located in coding exon 5 of the TSC1 gene, results from a duplication of T at nucleotide position 526, causing a translational frameshift with a predicted alternate stop codon (p.Y176Lfs*42). This variant is considered to be rare based on population cohorts in the Genome Aggregation Database (gnomAD). This alteration is expected to result in loss of function by premature protein truncation or nonsense-mediated mRNA decay. As such, this alteration is interpreted as a disease-causing mutation.

Literature cited by the submitters: PubMed 10227394 (cited by Labcorp Genetics (formerly Invitae), Labcorp); PubMed 17304050 (cited by Labcorp Genetics (formerly Invitae), Labcorp); PubMed 33181865 (cited by Labcorp Genetics (formerly Invitae), Labcorp and Ambry Genetics).

NM_000368.5(TSC1):c.526dup (p.Tyr176fs)

Gene: TSC1 (TSC complex subunit 1; minus strand). Cytogenetic location: 9q34.13.
Variant type: Duplication.
Coding change: c.526dup on transcript NM_000368.5 (MANE Select); coding-DNA position 526, one base duplicated (T; older notation c.526dupT).
Protein change: p.Tyr176fs; shifts the reading frame from tyrosine 176.
Molecular consequence: frameshift variant.
Genome position (GRCh38, 1-based): chr9:132,921,956, A duplicated on the plus strand (T on the coding strand, the reverse complement: TSC1 is on the minus strand). VCF-style (leftmost placement, unchanged base first): chr9-132921955-T-TA. GRCh37 (hg19) VCF-style: chr9-135797342-T-TA.
Other names: c.526dupT (NM_000368.4); c.526dup, p.Tyr176fs (NM_001162426.2); c.373dup, p.Tyr125fs (NM_001162427.2); c.163dup, p.Tyr55fs (NM_001362177.2); short protein forms Y125fs, Y176fs, Y55fs.
Identifiers: ClinVar variation 1071787 (VCV001071787.10), dbSNP rs2132161155, ClinGen allele CA2499219731.
Genomic context (GRCh38, chr9:132,921,955, plus strand): 5'-GGGTACATTCCATAAAGGCGATGAAAGAGTGCGTACACACTGGCATGGAGATGGACGAGA[T>TA]AGACTTCCGCCACGTGGCCTAGAAAAGGAACCCGTTGAGAAGAGCCTCTTAGTTGGAGAC-3'